The following is an entry in ClinVar:

NM_001079843.3(CASZ1):c.1450T>C (p.Tyr484His)

Gene: CASZ1 (castor zinc finger 1; minus strand). Cytogenetic location: 1p36.22.
Variant type: single nucleotide variant.
Coding change: c.1450T>C on transcript NM_001079843.3 (MANE Select); coding-DNA position 1450, T replaced by C.
Protein change: p.Tyr484His; replaces tyrosine 484 with histidine.
Molecular consequence: missense variant.
Genome position (GRCh38, 1-based): chr1:10,656,696, A>G on the plus strand (T>C on the coding strand, the complement: CASZ1 is on the minus strand). VCF-style: chr1-10656696-A-G. GRCh37 (hg19) VCF-style: chr1-10716753-A-G.
Other names: c.1450T>C, p.Tyr484His (NM_017766.5); c.1450T>C (NM_001079843.1); short protein forms Y484H.
Identifiers: ClinVar variation 2636732 (VCV002636732.2), dbSNP rs144195827, ClinGen allele CA585111.
Genomic context (GRCh38, chr1:10,656,696, plus strand): 5'-GTGGCCGTACCTGGTAGTTACACTCAGGGTCAAGGCAGTGGTAGTGCTCGCGGTACTGGT[A>G]GGCACAGTGGATGTGGCCACAGTGCTGGCTGCCCGAGAACCTGGAGGGAGGAGGGGTGGG-3'
Protein context (NP_001073312.1, residues 474-494): SQHCGHIHCA[Tyr484His]QYREHYHCLD

ClinVar aggregate classification (germline): Uncertain significance. Review status: criteria provided, multiple submitters, no conflicts (2 of 4 stars). 2 submissions from 2 submitters: Uncertain significance (2). Last evaluated 2023-12-13.

Conditions:
CASZ1-related disorder. Also called: CASZ1-related condition.

Allele frequency attached by ClinVar (database versions not stated): gnomAD 0.00001; TOPMed 0.00001; ExAC 0.00003; gnomAD exomes 0.00003; ESP Exome Variant Server 0.00008.
gnomAD v4.1: 49 of 1,603,794 alleles (0.0031%); highest among the groups gnomAD compares: Non-Finnish European, 0.004%; no homozygotes.

Submissions (2):

Ambry Genetics
Classification: Uncertain significance. Last evaluated: 2023-12-13. Review status: criteria provided, single submitter. Criteria: Ambry Variant Classification Scheme 2023. Collection method: clinical testing. Allele origin: germline.

PreventionGenetics, part of Exact Sciences
Classification: Uncertain significance for CASZ1-related condition. Last evaluated: 2023-04-03. Review status: criteria provided, single submitter. Criteria: ACMG Guidelines, 2015. Collection method: clinical testing. Allele origin: germline.
Comment: The CASZ1 c.1450T>C variant is predicted to result in the amino acid substitution p.Tyr484His. To our knowledge, this variant has not been reported in the literature. This variant is reported in 0.0025% of alleles in individuals of European (Non-Finnish) descent in gnomAD. At this time, the clinical significance of this variant is uncertain due to the absence of conclusive functional and genetic evidence.